The following is an entry in ClinVar:

ClinVar aggregate classification (germline): Uncertain significance (0 of 4 stars; one submission).

Conditions:
SIM1-related disorder. Also called: SIM1-related condition; SIM1-related disorders.

Submission:

PreventionGenetics, part of Exact Sciences
Classification: Uncertain significance for SIM1-related condition. Last evaluated: 2024-05-02. Review status: no assertion criteria provided. Collection method: clinical testing. Allele origin: germline.
Comment: The SIM1 c.2288C>T variant is predicted to result in the amino acid substitution p.Thr763Ile. To our knowledge, this variant has not been reported in the literature or in a large population database, indicating this variant is rare. At this time, the clinical significance of this variant is uncertain due to the absence of conclusive functional and genetic evidence.

NM_005068.3(SIM1):c.2288C>T (p.Thr763Ile)

Gene: SIM1 (SIM bHLH transcription factor 1; minus strand). Cytogenetic location: 6q16.3.
Variant type: single nucleotide variant.
Coding change: c.2288C>T on transcript NM_005068.3 (MANE Select); coding-DNA position 2288, C replaced by T.
Protein change: p.Thr763Ile; replaces threonine 763 with isoleucine.
Molecular consequence: missense variant.
Genome position (GRCh38, 1-based): chr6:100,390,374, G>A on the plus strand (C>T on the coding strand, the complement: SIM1 is on the minus strand). VCF-style: chr6-100390374-G-A. GRCh37 (hg19) VCF-style: chr6-100838250-G-A.
Other names: c.2288C>T, p.Thr763Ile (NM_001374769.1); short protein forms T763I.
Identifiers: ClinVar variation 3354218 (VCV003354218.1).